The following is an entry in ClinVar:

ClinVar aggregate classification (germline): Uncertain significance (1 of 4 stars; one submission).

Conditions:
Epilepsy. Also called: Seizure disorder. Identifiers: MedGen C0014544, MeSH D004827, MONDO:0005027.

Allele frequency attached by ClinVar (database versions not stated): gnomAD exomes below 0.00001 and 0.00001; ExAC 0.00002; ESP Exome Variant Server 0.00008.

Submission:

Labcorp Genetics (formerly Invitae), Labcorp
Classification: Uncertain significance for Epilepsy. Last evaluated: 2018-05-23. Review status: criteria provided, single submitter. Criteria: Invitae Variant Classification Sherloc (09022015). Collection method: clinical testing. Allele origin: germline.
Comment: In summary, the available evidence is currently insufficient to determine the role of this variant in disease. Therefore, it has been classified as a Variant of Uncertain Significance. Experimental studies and prediction algorithms are not available for this variant, and the functional significance of the deleted amino acids is currently unknown. This variant has not been reported in the literature in individuals with PIGQ-related disease. The frequency data for this variant in the population databases is considered unreliable, as metrics indicate poor data quality at this position in the ExAC database. This sequence change results in a premature translational stop signal in the PIGQ gene (p.Tyr544*). While this is not anticipated to result in nonsense mediated decay, it is expected to delete the last 38 amino acids of the PIGQ protein.

NM_004204.5(PIGQ):c.1631dup (p.Tyr544Ter)

Gene: PIGQ (phosphatidylinositol glycan anchor biosynthesis class Q; plus strand). Cytogenetic location: 16p13.3.
Variant type: Duplication.
Coding change: c.1631dup on transcript NM_004204.5 (MANE Select); coding-DNA position 1631, one base duplicated (A; older notation c.1631dupA).
Protein change: p.Tyr544Ter; replaces tyrosine 544 with a stop codon.
Molecular consequence: nonsense. On other transcripts: frameshift variant (1).
Genome position (GRCh38, 1-based): chr16:582,920, A duplicated. VCF-style (leftmost placement, unchanged base first): chr16-582919-T-TA. GRCh37 (hg19) VCF-style: chr16-632919-T-TA.
Other names: c.1569dup, p.Pro524fs (NM_148920.4); c.1631dupA (NM_004204.3); short protein forms Y544*, P524fs.
Identifiers: ClinVar variation 576638 (VCV000576638.6), dbSNP rs760045515, ClinGen allele CA7780498.